The following is an entry in ClinVar:

ClinVar aggregate classification (germline): Uncertain significance (1 of 4 stars; one submission).

Submission:

Labcorp Genetics (formerly Invitae), Labcorp
Classification: Uncertain significance. Last evaluated: 2021-11-18. Review status: criteria provided, single submitter. Criteria: Invitae Variant Classification Sherloc (09022015). Collection method: clinical testing. Allele origin: germline.
Comment: This variant is not present in population databases (gnomAD no frequency). This sequence change replaces proline, which is neutral and non-polar, with arginine, which is basic and polar, at codon 562 of the COL9A3 protein (p.Pro562Arg). In summary, the available evidence is currently insufficient to determine the role of this variant in disease. Therefore, it has been classified as a Variant of Uncertain Significance. Advanced modeling of protein sequence and biophysical properties (such as structural, functional, and spatial information, amino acid conservation, physicochemical variation, residue mobility, and thermodynamic stability) performed at Invitae indicates that this missense variant is not expected to disrupt COL9A3 protein function. This variant has not been reported in the literature in individuals affected with COL9A3-related conditions.

NM_001853.4(COL9A3):c.1685C>G (p.Pro562Arg)

Gene: COL9A3 (collagen type IX alpha 3 chain; plus strand). Cytogenetic location: 20q13.33.
Variant type: single nucleotide variant.
Coding change: c.1685C>G on transcript NM_001853.4 (MANE Select); coding-DNA position 1685, C replaced by G.
Protein change: p.Pro562Arg; replaces proline 562 with arginine.
Molecular consequence: missense variant.
Genome position (GRCh38, 1-based): chr20:62,837,164, C>G. VCF-style: chr20-62837164-C-G. GRCh37 (hg19) VCF-style: chr20-61468516-C-G.
Other names: short protein forms P562R.
Identifiers: ClinVar variation 1478027 (VCV001478027.6), dbSNP rs1442112496, ClinGen allele CA409599297.